The following is an entry in ClinVar:

ClinVar aggregate classification (germline): Uncertain significance (1 of 4 stars; one submission).

Submission:

GeneDx
Classification: Uncertain significance. Last evaluated: 2022-12-07. Review status: criteria provided, single submitter. Criteria: GeneDx Variant Classification Process June 2021. Collection method: clinical testing. Allele origin: germline. Affected: yes.
Comment: Not observed at significant frequency in large population cohorts (gnomAD); In silico analysis supports that this missense variant does not alter protein structure/function; Has not been previously published as pathogenic or benign to our knowledge

NM_001007553.3(CSDE1):c.1351G>A (p.Glu451Lys)

Gene: CSDE1 (cold shock domain containing E1; minus strand). Cytogenetic location: 1p13.2.
Variant type: single nucleotide variant.
Coding change: c.1351G>A on transcript NM_001007553.3 (MANE Select); coding-DNA position 1351, G replaced by A.
Protein change: p.Glu451Lys; replaces glutamic acid 451 with lysine.
Molecular consequence: missense variant.
Genome position (GRCh38, 1-based): chr1:114,730,263, C>T on the plus strand (G>A on the coding strand, the complement: CSDE1 is on the minus strand). VCF-style: chr1-114730263-C-T. GRCh37 (hg19) VCF-style: chr1-115272884-C-T.
Other names: c.1396G>A, p.Glu466Lys (NM_001130523.3); c.1489G>A, p.Glu497Lys (NM_001242891.2); c.1351G>A, p.Glu451Lys (NM_001242892.2); c.1258G>A, p.Glu420Lys (NM_001242893.2, NM_007158.6); short protein forms E420K, E451K, E466K, E497K.
Identifiers: ClinVar variation 2504997 (VCV002504997.1), dbSNP rs2526542013, ClinGen allele CA341753934.
Genomic context (GRCh38, chr1:114,730,263, plus strand): 5'-AAAGCAGAAGAGAAATAAACAGCTACAAAAATCATTTGGATTATGCAAAACCTACCTTCT[C>T]TTTGCCTTTATTTGGGCTAGTGGTTTTAGGATTGGAAAAAGTGGCTTCTTTTTCTACCGT-3'
Protein context (NP_001007554.1, residues 441-461): PKTTSPNKGK[Glu451Lys]KEAEDGIIAY